The following is an entry in ClinVar:

ClinVar aggregate classification (germline): Pathogenic (1 of 4 stars; one submission).

Conditions:
Congenital hyperammonemia, type I. Also called: CPS I DEFICIENCY; Carbamoyl phosphate synthetase 1 deficiency; Hyperammonemia due to carbamoyl phosphate synthetase 1 deficiency; CPS 1 deficiency; Carbamyl phosphate synthetase (CPS) deficiency; Carbamoyl phosphate synthetase I deficiency disease. Identifiers: Orphanet 147, MedGen C4082171, MONDO:0009376, OMIM 237300.

Submission:

Myriad Genetics, Inc.
Classification: Pathogenic for Congenital hyperammonemia, type I. Last evaluated: 2026-07-18. Review status: criteria provided, single submitter. Criteria: Myriad Autosomal Dominant, Autosomal Recessive and X-Linked Classification Criteria (2023). Collection method: clinical testing. Allele origin: unknown.
Comment: NM_001875.4(CPS1):c.2008delC(Q670Rfs*11) is expected to be pathogenic in the context of carbamoylphosphate synthetase I deficiency. This variant is predicted to lead to an abnormal or absent protein product due to the creation of a premature termination codon in CPS1, a gene where loss-of-function variants are known to be pathogenic. Please note: this variant was assessed in the context of healthy population screening.

NM_001875.5(CPS1):c.2008del (p.Gln670fs)

Gene: CPS1 (carbamoyl-phosphate synthase 1; plus strand). Cytogenetic location: 2q34.
Variant type: Deletion.
Coding change: c.2008del on transcript NM_001875.5 (MANE Select); coding-DNA position 2008, one base deleted (C; older notation c.2008delC).
Protein change: p.Gln670fs; shifts the reading frame from glutamine 670.
Molecular consequence: frameshift variant. On other transcripts: non-coding transcript variant (2).
Genome position (GRCh38, 1-based): chr2:210,606,757, C deleted; the last of 3 consecutive C bases (chr2:210,606,755-210,606,757); deleting any one gives the same sequence. VCF-style (leftmost placement, unchanged base first): chr2-210606754-GC-G. GRCh37 (hg19) VCF-style: chr2-211471478-GC-G.
Other names: c.2008del, p.Gln670fs (NM_001122633.3, NM_001369257.1); c.2041del, p.Gln681fs (NM_001369256.1); short protein forms Q670fs, Q681fs.
Identifiers: ClinVar variation 5016142 (VCV005016142.1).
Genomic context (GRCh38, chr2:210,606,754, plus strand): 5'-TATGCCACCAAGTAATGAGTGCTTCTTGGATATATAGGTGACTCAGTTGTTGTGGCTCCT[GC>G]CCAGACACTCTCCAATGCCGAGTTTCAGATGTTGAGACGTACTTCAATCAATGTTGTTCG-3'